The following is an entry in ClinVar:

ClinVar aggregate classification (germline): Uncertain significance (1 of 4 stars; one submission).

gnomAD v4.1: 5 of 1,614,064 alleles (0.00031%); highest among the groups gnomAD compares: African/African-American, 0.0013%; no homozygotes.

Submission:

Labcorp Genetics (formerly Invitae), Labcorp
Classification: Uncertain significance. Last evaluated: 2024-05-10. Review status: criteria provided, single submitter. Criteria: Invitae Variant Classification Sherloc (09022015). Collection method: clinical testing. Allele origin: germline.
Comment: This sequence change replaces proline, which is neutral and non-polar, with leucine, which is neutral and non-polar, at codon 330 of the BNC2 protein (p.Pro330Leu). This variant is present in population databases (rs374455568, gnomAD 0.003%). This variant has not been reported in the literature in individuals affected with BNC2-related conditions. An algorithm developed to predict the effect of missense changes on protein structure and function (PolyPhen-2) suggests that this variant is likely to be disruptive. In summary, the available evidence is currently insufficient to determine the role of this variant in disease. Therefore, it has been classified as a Variant of Uncertain Significance.

NM_017637.6(BNC2):c.989C>T (p.Pro330Leu)

Gene: BNC2 (basonuclin zinc finger protein 2; minus strand). Cytogenetic location: 9p22.3.
Variant type: single nucleotide variant.
Coding change: c.989C>T on transcript NM_017637.6 (MANE Select); coding-DNA position 989, C replaced by T.
Protein change: p.Pro330Leu; replaces proline 330 with leucine.
Molecular consequence: missense variant.
Genome position (GRCh38, 1-based): chr9:16,437,205, G>A on the plus strand (C>T on the coding strand, the complement: BNC2 is on the minus strand). VCF-style: chr9-16437205-G-A. GRCh37 (hg19) VCF-style: chr9-16437203-G-A.
Other names: c.863C>T, p.Pro288Leu (NM_001317939.2); c.704C>T, p.Pro235Leu (NM_001317940.2); short protein forms P330L, P288L, P235L.
Identifiers: ClinVar variation 3676891 (VCV003676891.2).